The following is an entry in ClinVar:

NM_145239.3(PRRT2):c.449dup (p.Thr151fs)

Genes: MVP-DT (MVP divergent transcript; minus strand), PRRT2 (proline rich transmembrane protein 2; plus strand). Cytogenetic location: 16p11.2.
Variant type: Duplication.
Coding change: c.449dup on transcript NM_145239.3 (MANE Select); coding-DNA position 449, one base duplicated (C; older notation c.449dupC).
Protein change: p.Thr151fs; shifts the reading frame from threonine 151.
Molecular consequence: frameshift variant.
Genome position (GRCh38, 1-based): chr16:29,813,503, C duplicated; the last of 2 consecutive C bases (chr16:29,813,502-29,813,503); duplicating either gives the same sequence. VCF-style (leftmost placement, unchanged base first): chr16-29813501-G-GC. GRCh37 (hg19) VCF-style: chr16-29824822-G-GC.
Other names: c.449dup, p.Thr151fs (NM_001256442.2, NM_001256443.2); short protein forms T151fs.
Identifiers: ClinVar variation 871889 (VCV000871889.46), dbSNP rs1900085480, ClinGen allele CA1139664641.

ClinVar aggregate classification (germline): Pathogenic. Review status: criteria provided, multiple submitters, no conflicts (2 of 4 stars). 2 submissions from 2 submitters: Pathogenic (2). Last evaluated 2020-01-01.

Conditions:
Episodic kinesigenic dyskinesia (EKD). Also called: Paroxysmal kinesigenic dyskinesia. Identifiers: Orphanet 98809, MedGen C1868682, MONDO:0044202.

Submissions (2):

CeGaT Center for Human Genetics Tuebingen
Classification: Pathogenic. Last evaluated: 2020-01-01. Review status: criteria provided, single submitter. Criteria: CeGaT Center For Human Genetics Tuebingen Variant Classification Criteria Version 2. Collection method: clinical testing. Allele origin: germline. Affected: yes. Observed: 3 variant alleles.

Labcorp Genetics (formerly Invitae), Labcorp
Classification: Pathogenic for Episodic kinesigenic dyskinesia. Last evaluated: 2019-04-18. Review status: criteria provided, single submitter. Criteria: Invitae Variant Classification Sherloc (09022015). Collection method: clinical testing. Allele origin: germline.
Comment: This sequence change creates a premature translational stop signal (p.Thr151Tyrfs*19) in the PRRT2 gene. It is expected to result in an absent or disrupted protein product. This variant is not present in population databases (ExAC no frequency). This variant has not been reported in the literature in individuals with PRRT2-related conditions. Loss-of-function variants in PRRT2 are known to be pathogenic (PMID: 22623405, 22744660). For these reasons, this variant has been classified as Pathogenic.

Literature cited by the submitters: PubMed 22623405 (cited by Labcorp Genetics (formerly Invitae), Labcorp); PubMed 22744660 (cited by Labcorp Genetics (formerly Invitae), Labcorp).